The following is an entry in ClinVar:

ClinVar aggregate classification (germline): Uncertain significance (1 of 4 stars; one submission).

gnomAD v4.1: 1 of 1,607,154 alleles (0.000062%); highest among the groups gnomAD compares: Non-Finnish European, 0.000085%; no homozygotes.

Submission:

Labcorp Genetics (formerly Invitae), Labcorp
Classification: Uncertain significance. Last evaluated: 2025-01-31. Review status: criteria provided, single submitter. Criteria: Invitae Variant Classification Sherloc (09022015). Collection method: clinical testing. Allele origin: germline.
Comment: This sequence change replaces asparagine, which is neutral and polar, with isoleucine, which is neutral and non-polar, at codon 174 of the CCDC8 protein (p.Asn174Ile). This variant is present in population databases (no rsID available, gnomAD 0.0009%). This variant has not been reported in the literature in individuals affected with CCDC8-related conditions. An algorithm developed to predict the effect of missense changes on protein structure and function (PolyPhen-2) suggests that this variant is likely to be tolerated. In summary, the available evidence is currently insufficient to determine the role of this variant in disease. Therefore, it has been classified as a Variant of Uncertain Significance.

NM_032040.5(CCDC8):c.521A>T (p.Asn174Ile)

Gene: CCDC8 (coiled-coil domain containing 8 subunit of 3M complex; minus strand). Cytogenetic location: 19q13.32.
Variant type: single nucleotide variant.
Coding change: c.521A>T on transcript NM_032040.5 (MANE Select); coding-DNA position 521, A replaced by T.
Protein change: p.Asn174Ile; replaces asparagine 174 with isoleucine.
Molecular consequence: missense variant.
Genome position (GRCh38, 1-based): chr19:46,412,290, T>A on the plus strand (A>T on the coding strand, the complement: CCDC8 is on the minus strand). VCF-style: chr19-46412290-T-A. GRCh37 (hg19) VCF-style: chr19-46915547-T-A.
Other names: short protein forms N174I.
Identifiers: ClinVar variation 4806454 (VCV004806454.1).